The following is an entry in ClinVar:

NM_152383.5(DIS3L2):c.1585G>A (p.Val529Ile)

Gene: DIS3L2 (DIS3 like 3'-5' exoribonuclease 2; plus strand). Cytogenetic location: 2q37.1.
Variant type: single nucleotide variant.
Coding change: c.1585G>A on transcript NM_152383.5 (MANE Select); coding-DNA position 1585, G replaced by A.
Protein change: p.Val529Ile; replaces valine 529 with isoleucine.
Molecular consequence: missense variant. On other transcripts: non-coding transcript variant (2), intron variant (1).
Genome position (GRCh38, 1-based): chr2:232,263,366, G>A. VCF-style: chr2-232263366-G-A. GRCh37 (hg19) VCF-style: chr2-233128076-G-A.
Other names: c.1581+4G>A (NM_001257281.2); short protein forms V529I.
Identifiers: ClinVar variation 463063 (VCV000463063.12), dbSNP rs773893129, ClinGen allele CA2164198.

ClinVar aggregate classification (germline): Conflicting classifications of pathogenicity. Review status: criteria provided, conflicting classifications (1 of 4 stars). 4 submissions from 4 submitters: Uncertain significance (3); Benign (1). Last evaluated 2024-12-12.

Conditions:
Inborn genetic diseases. Identifiers: MedGen C0950123, MeSH D030342.
Perlman syndrome (PRLMNS). Identifiers: Orphanet 2849, MedGen C0796113, MONDO:0009965, OMIM 267000.

Allele frequency attached by ClinVar (database versions not stated): gnomAD 0.00001; TOPMed 0.00001; ExAC 0.00002.

Submissions (4):

GeneDx
Classification: Uncertain significance. Last evaluated: 2024-12-12. Review status: criteria provided, single submitter. Criteria: GeneDx Variant Classification Process June 2021. Collection method: clinical testing. Allele origin: germline. Affected: yes.
Comment: Not observed at significant frequency in large population cohorts (gnomAD); In silico analysis indicates that this missense variant does not alter protein structure/function; Has not been previously published as pathogenic or benign to our knowledge

Ambry Genetics
Classification: Uncertain significance for Inborn genetic diseases. Last evaluated: 2024-05-16. Review status: criteria provided, single submitter. Criteria: Ambry Variant Classification Scheme 2023. Collection method: clinical testing. Allele origin: germline.

Labcorp Genetics (formerly Invitae), Labcorp
Classification: Benign for Perlman syndrome. Last evaluated: 2024-04-22. Review status: criteria provided, single submitter. Criteria: Invitae Variant Classification Sherloc (09022015). Collection method: clinical testing. Allele origin: germline.

Breakthrough Genomics
Classification: Uncertain significance. Review status: criteria provided, single submitter. Criteria: ACMG Guidelines, 2015. Collection method: not provided. Allele origin: germline. Inheritance: Autosomal recessive inheritance. Affected: yes.